The following is an entry in ClinVar:

ClinVar aggregate classification (germline): Uncertain significance (1 of 4 stars; one submission).

Submission:

Labcorp Genetics (formerly Invitae), Labcorp
Classification: Uncertain significance. Last evaluated: 2024-04-29. Review status: criteria provided, single submitter. Criteria: Invitae Variant Classification Sherloc (09022015). Collection method: clinical testing. Allele origin: germline.
Comment: This sequence change replaces aspartic acid, which is acidic and polar, with asparagine, which is neutral and polar, at codon 383 of the DIAPH3 protein (p.Asp383Asn). This variant is present in population databases (rs760675302, gnomAD 0.0009%). This variant has not been reported in the literature in individuals affected with DIAPH3-related conditions. An algorithm developed to predict the effect of missense changes on protein structure and function (PolyPhen-2) suggests that this variant is likely to be disruptive. In summary, the available evidence is currently insufficient to determine the role of this variant in disease. Therefore, it has been classified as a Variant of Uncertain Significance.

NM_001042517.2(DIAPH3):c.1147G>A (p.Asp383Asn)

Gene: DIAPH3 (diaphanous related formin 3; minus strand). Cytogenetic location: 13q21.2.
Variant type: single nucleotide variant.
Coding change: c.1147G>A on transcript NM_001042517.2 (MANE Select); coding-DNA position 1147, G replaced by A.
Protein change: p.Asp383Asn; replaces aspartic acid 383 with asparagine.
Molecular consequence: missense variant.
Genome position (GRCh38, 1-based): chr13:59,992,165, C>T on the plus strand (G>A on the coding strand, the complement: DIAPH3 is on the minus strand). VCF-style: chr13-59992165-C-T. GRCh37 (hg19) VCF-style: chr13-60566299-C-T.
Other names: c.1114G>A, p.Asp372Asn (NM_001258366.2); c.1009G>A, p.Asp337Asn (NM_001258367.2); c.937G>A, p.Asp313Asn (NM_001258368.2); c.1147G>A, p.Asp383Asn (NM_001258369.2); c.358G>A, p.Asp120Asn (NM_001258370.2, NM_030932.4); short protein forms D372N, D383N, D313N, D120N, D337N.
Identifiers: ClinVar variation 3677231 (VCV003677231.2).